The following is an entry in ClinVar:

ClinVar aggregate classification (germline): Likely benign (1 of 4 stars; one submission).

gnomAD v4.1: 1 of 1,232,404 alleles (0.000081%); highest among the groups gnomAD compares: South Asian, 0.0041%; no homozygotes.

Submission:

CeGaT Center for Human Genetics Tuebingen
Classification: Likely benign. Last evaluated: 2025-02-01. Review status: criteria provided, single submitter. Criteria: CeGaT Center For Human Genetics Tuebingen Variant Classification Criteria Version 2. Collection method: clinical testing. Allele origin: germline. Affected: yes. Observed: 1 variant allele.
Comment: GIPC3: BP4, BP7

NM_133261.3(GIPC3):c.*983T>C

Gene: GIPC3 (GIPC PDZ domain containing family member 3; plus strand). Cytogenetic location: 19p13.3.
Variant type: single nucleotide variant.
Coding change: c.*983T>C on transcript NM_133261.3 (MANE Select); 983 bases downstream of the stop codon, T replaced by C.
Molecular consequence: 3 prime UTR variant. On other transcripts: synonymous variant (1).
Genome position (GRCh38, 1-based): chr19:3,591,173, T>C. VCF-style: chr19-3591173-T-C. GRCh37 (hg19) VCF-style: chr19-3591171-T-C.
Other names: c.1935T>C, p.Ile645= (NM_001411144.1).
Identifiers: ClinVar variation 3772591 (VCV003772591.13).